The following is an entry in ClinVar:

ClinVar aggregate classification (germline): Likely benign (1 of 4 stars; one submission).

Conditions:
PHIP-related disorder. Also called: PHIP-related condition; PHIP-related disorders.

Submission:

PreventionGenetics, part of Exact Sciences
Classification: Likely benign for PHIP-related condition. Last evaluated: 2025-01-22. Review status: criteria provided, single submitter. Criteria: ACMG Guidelines, 2015. Collection method: clinical testing. Allele origin: germline.
Comment: This variant is classified as likely benign based on ACMG/AMP sequence variant interpretation guidelines (Richards et al. 2015 PMID: 25741868, with internal and published modifications).

NM_017934.7(PHIP):c.99+7C>A

Gene: PHIP (PHIP subunit of CUL4-Ring ligase complex; minus strand). Cytogenetic location: 6q14.1.
Variant type: single nucleotide variant.
Coding change: c.99+7C>A on transcript NM_017934.7 (MANE Select); 7 bases into the intron after coding-DNA position 99, C replaced by A.
Molecular consequence: intron variant.
Genome position (GRCh38, 1-based): chr6:79,077,848, G>T on the plus strand (C>A on the coding strand, the complement: PHIP is on the minus strand). VCF-style: chr6-79077848-G-T. GRCh37 (hg19) VCF-style: chr6-79787565-G-T.
Identifiers: ClinVar variation 4998039 (VCV004998039.1).